The following is an entry in ClinVar:

ClinVar aggregate classification (germline): Likely pathogenic. Review status: criteria provided, multiple submitters, no conflicts (2 of 4 stars). 2 submissions from 2 submitters: Likely pathogenic (2). Last evaluated 2022-08-25.

Conditions:
Rubinstein-Taybi syndrome due to CREBBP mutations (RSTS1). Also called: RUBINSTEIN-TAYBI SYNDROME 1, INCOMPLETE; BROAD THUMB-HALLUX SYNDROME; BROAD THUMBS AND GREAT TOES, CHARACTERISTIC FACIES, AND IMPAIRED INTELLECTUAL DEVELOPMENT; RUBINSTEIN SYNDROME; Rubinstein-Taybi syndrome 1; CREBBP-Related Rubinstein-Taybi Syndrome. Identifiers: Orphanet 353277, Orphanet 783, MedGen C4551859, MONDO:0008393, OMIM 180849.

Submissions (2):

Broad Center for Mendelian Genomics, Broad Institute of MIT and Harvard
Classification: Likely pathogenic for Rubinstein-Taybi syndrome due to CREBBP mutations. Last evaluated: 2022-08-25. Review status: criteria provided, single submitter. Criteria: ACMG Guidelines, 2015. Collection method: curation. Allele origin: germline. Inheritance: Autosomal dominant inheritance. Affected: yes.
Comment: Trio exome analysis showed this variant to be de novo. The c.3914+3G>T variant in CREBBP has not been previously reported in individuals with Rubinstein-Taybi syndrome and was absent from large population studies. Computational prediction tools and conservation analyses do not provide strong support for or against an impact to the protein. In summary, although additional studies are required to fully establish its clinical significance, this variant is likely pathogenic for autosomal dominant Rubinstein-Taybi syndrome. ACMG/AMP Criteria applied: PS2, PP4, PM2_supporting (Richards 2015).

Genetic Services Laboratory, University of Chicago
Classification: Likely pathogenic for Rubinstein-Taybi syndrome. Last evaluated: 2013-02-08. Review status: criteria provided, single submitter. Criteria: ACMG Guidelines, 2007. Collection method: clinical testing. Allele origin: germline. Inheritance: Autosomal dominant inheritance. Affected: yes.

NM_004380.3(CREBBP):c.3914+3G>T

Gene: CREBBP (CREB binding lysine acetyltransferase; minus strand). Cytogenetic location: 16p13.3.
Variant type: single nucleotide variant.
Coding change: c.3914+3G>T on transcript NM_004380.3 (MANE Select); 3 bases into the intron after coding-DNA position 3914, G replaced by T.
Molecular consequence: intron variant.
Genome position (GRCh38, 1-based): chr16:3,745,274, C>A on the plus strand (G>T on the coding strand, the complement: CREBBP is on the minus strand). VCF-style: chr16-3745274-C-A. GRCh37 (hg19) VCF-style: chr16-3795275-C-A.
Other names: c.3800+3G>T (NM_001079846.1).
Identifiers: ClinVar variation 158363 (VCV000158363.7), dbSNP rs587783485, ClinGen allele CA271397.
Genomic context (GRCh38, chr16:3,745,274, plus strand): 5'-CTGCAACTGCCCCGCCACTGGCTCTGTGCAGAACTGCCCTCCAGGCCAGGGGAAACAACT[C>A]ACCCTGAAGGCCAAATGATGTCATAGTGCAGAACGCAAATCTGATGCATCTTCCGGCCAC-3'